The following is an entry in ClinVar:

NM_000035.4(ALDOB):c.*206C>A

Gene: ALDOB (aldolase, fructose-bisphosphate B; minus strand). Cytogenetic location: 9q31.1.
Variant type: single nucleotide variant.
Coding change: c.*206C>A on transcript NM_000035.4 (MANE Select); 206 bases downstream of the stop codon, C replaced by A.
Molecular consequence: 3 prime UTR variant.
Genome position (GRCh38, 1-based): chr9:101,421,603, G>T on the plus strand (C>A on the coding strand, the complement: ALDOB is on the minus strand). VCF-style: chr9-101421603-G-T. GRCh37 (hg19) VCF-style: chr9-104183885-G-T.
Other names: c.*206C>A (LRG_1244t1).
Identifiers: ClinVar variation 364303 (VCV000364303.8), dbSNP rs17772869, ClinGen allele CA10626095.

ClinVar aggregate classification (germline): Benign. Review status: criteria provided, multiple submitters, no conflicts (2 of 4 stars). 3 submissions from 3 submitters: Benign (3). Last evaluated 2018-06-18.

Conditions:
Hereditary fructosuria. Also called: Fructose intolerance; ALDOB DEFICIENCY; ALDOLASE B DEFICIENCY; FRUCTOSE-1,6-BISPHOSPHATE ALDOLASE B DEFICIENCY; FRUCTOSE-1-PHOSPHATE ALDOLASE DEFICIENCY; FRUCTOSEMIA. Identifiers: Orphanet 469, MedGen C0016751, MONDO:0009249, OMIM 229600, HP:0005973. Disease mechanism: loss of function.

Allele frequency attached by ClinVar (database versions not stated): 1000 Genomes Project 0.05611; 1000 Genomes Project 30x 0.05949; TOPMed 0.07198; gnomAD 0.07315 and 0.07365.
gnomAD v4.1: 56,116 of 633,154 alleles (8.9%); highest among the groups gnomAD compares: Middle Eastern, 13%; 2,961 homozygotes.

Submissions (3):

GeneDx
Classification: Benign. Last evaluated: 2018-06-18. Review status: criteria provided, single submitter. Criteria: GeneDx Variant Classification Process June 2021. Collection method: clinical testing. Allele origin: germline. Affected: yes.

Illumina Laboratory Services, Illumina
Classification: Benign for Hereditary fructosuria. Last evaluated: 2018-01-13. Review status: criteria provided, single submitter. Criteria: ICSL Variant Classification Criteria 13 December 2019. Collection method: clinical testing. Allele origin: germline.
Comment: This variant was observed in the ICSL laboratory as part of a predisposition screen in an ostensibly healthy population. It had not been previously curated by ICSL or reported in the Human Gene Mutation Database (HGMD: prior to June 1st, 2018), and was therefore a candidate for classification through an automated scoring system. Utilizing variant allele frequency, disease prevalence and penetrance estimates, and inheritance mode, an automated score was calculated to assess if this variant is too frequent to cause the disease. Based on the score and internal cut-off values, a variant classified as benign is not then subjected to further curation. The score for this variant resulted in a classification of benign for this disease.

Breakthrough Genomics
Classification: Benign. Review status: criteria provided, single submitter. Criteria: ACMG Guidelines, 2015. Collection method: not provided. Allele origin: germline. Inheritance: Autosomal recessive inheritance. Affected: yes.